The following is an entry in ClinVar:

NM_000391.4(TPP1):c.145C>G (p.Leu49Val)

Gene: TPP1 (tripeptidyl peptidase 1; minus strand). Cytogenetic location: 11p15.4.
Variant type: single nucleotide variant.
Coding change: c.145C>G on transcript NM_000391.4 (MANE Select); coding-DNA position 145, C replaced by G.
Protein change: p.Leu49Val; replaces leucine 49 with valine.
Molecular consequence: missense variant.
Genome position (GRCh38, 1-based): chr11:6,618,860, G>C on the plus strand (C>G on the coding strand, the complement: TPP1 is on the minus strand). VCF-style: chr11-6618860-G-C. GRCh37 (hg19) VCF-style: chr11-6640091-G-C.
Other names: short protein forms L49V.
Identifiers: ClinVar variation 1059824 (VCV001059824.9), dbSNP rs752191339, ClinGen allele CA217325555.

ClinVar aggregate classification (germline): Uncertain significance (1 of 4 stars; one submission).

Allele frequency attached by ClinVar (database versions not stated): gnomAD exomes below 0.00001.
gnomAD v4.1: 1 of 1,614,082 alleles (0.000062%); highest among the groups gnomAD compares: Non-Finnish European, 0.000085%; no homozygotes.

Submission:

Labcorp Genetics (formerly Invitae), Labcorp
Classification: Uncertain significance. Last evaluated: 2020-03-10. Review status: criteria provided, single submitter. Criteria: Invitae Variant Classification Sherloc (09022015). Collection method: clinical testing. Allele origin: germline.
Comment: This sequence change replaces leucine with valine at codon 49 of the TPP1 protein (p.Leu49Val). The leucine residue is highly conserved and there is a small physicochemical difference between leucine and valine. This variant is not present in population databases (ExAC no frequency). This variant has not been reported in the literature in individuals with TPP1-related conditions. Algorithms developed to predict the effect of missense changes on protein structure and function are either unavailable or do not agree on the potential impact of this missense change (SIFT: "Deleterious"; PolyPhen-2: "Possibly Damaging"; Align-GVGD: "Class C0"). In summary, the available evidence is currently insufficient to determine the role of this variant in disease. Therefore, it has been classified as a Variant of Uncertain Significance.